The following is an entry in ClinVar:

NM_012233.3(RAB3GAP1):c.764T>G (p.Val255Gly)

Gene: RAB3GAP1 (RAB3 GTPase activating protein catalytic subunit 1; plus strand). Cytogenetic location: 2q21.3.
Variant type: single nucleotide variant.
Coding change: c.764T>G on transcript NM_012233.3 (MANE Select); coding-DNA position 764, T replaced by G.
Protein change: p.Val255Gly; replaces valine 255 with glycine.
Molecular consequence: missense variant.
Genome position (GRCh38, 1-based): chr2:135,124,180, T>G. VCF-style: chr2-135124180-T-G. GRCh37 (hg19) VCF-style: chr2-135881750-T-G.
Other names: c.764T>G, p.Val255Gly (NM_001172435.2); short protein forms V255G.
Identifiers: ClinVar variation 1198646 (VCV001198646.6), dbSNP rs771889804, ClinGen allele CA1884632.

ClinVar aggregate classification (germline): Uncertain significance. Review status: criteria provided, multiple submitters, no conflicts (2 of 4 stars). 2 submissions from 2 submitters: Uncertain significance (2). Last evaluated 2024-09-11.

Conditions:
Inborn genetic diseases. Identifiers: MedGen C0950123, MeSH D030342.

Allele frequency attached by ClinVar (database versions not stated): gnomAD 0.00001; gnomAD exomes 0.00001 and 0.00002; ExAC 0.00002; TOPMed 0.00002.
gnomAD v4.1: 21 of 1,613,910 alleles (0.0013%); highest among the groups gnomAD compares: Admixed American, 0.0033%; no homozygotes.

Submissions (2):

Ambry Genetics
Classification: Uncertain significance for Inborn genetic diseases. Last evaluated: 2024-09-11. Review status: criteria provided, single submitter. Criteria: Ambry Variant Classification Scheme 2023. Collection method: clinical testing. Allele origin: germline.

GeneDx
Classification: Uncertain significance. Last evaluated: 2023-06-28. Review status: criteria provided, single submitter. Criteria: GeneDx Variant Classification Process June 2021. Collection method: clinical testing. Allele origin: germline. Affected: yes.
Comment: Not observed at significant frequency in large population cohorts (gnomAD); In silico analysis supports that this missense variant does not alter protein structure/function; Has not been previously published as pathogenic or benign to our knowledge